The following continues an entry in ClinVar:

NM_001009944.3(PKD1):c.2180T>C (p.Leu727Pro)

Gene: PKD1. ClinVar aggregate classification (germline): Pathogenic/Likely pathogenic. Pathogenic (9); Likely pathogenic (14).

Submissions 11 to 26 of 26:

3billion
Classification: Likely pathogenic for Polycystic kidney disease, adult type. Last evaluated: 2023-06-08. Review status: criteria provided, single submitter. Criteria: ACMG Guidelines, 2015. Collection method: clinical testing. Allele origin: germline. Affected: yes.
Comment: The variant is not observed in the gnomAD v2.1.1 dataset. Predicted Consequence/Location: Missense variant In silico tool predictions suggest damaging effect of the variant on gene or gene product (REVEL: 0.42; 3Cnet: 0.86). Same nucleotide change resulting in same amino acid change has been previously reported as pathogenic/likely pathogenic with strong evidence (ClinVar ID: VCV000562302). A different missense change at the same codon (p.Leu727Gln) has been reported to be associated with PKD1 related disorder (PMID: 29801666). Therefore, this variant is classified as Likely pathogenic according to the recommendation of ACMG/AMP guideline.

New York Genome Center
Classification: Pathogenic for Polycystic kidney disease, adult type. Last evaluated: 2023-04-28. Review status: criteria provided, single submitter. Criteria: NYGC Assertion Criteria 2020. Collection method: clinical testing. Allele origin: inherited. Observed: 1 heterozygote. Study: PrenatalSEQ.
Comment: The inherited c.2180T>C p.(Leu727Pro) variant in PKD1 has been reported in the literature in multiple individuals with polycystic kidney disease 1 [PMID: 23431072, 24374109, 29038287, 30333007, 30586318, 31027891, 30816285, 33315352, 33532864, 33437033] and is listed in the Mayo Clinic Polycystic Kidney Disease variant database as Likely Pathogenic. The c.2180T>C variant has been deposited in ClinVar with conflicting interpretations of pathogenicity by multiple submitters, including six Pathogenic and seven Likely Pathogenic entries [ClinVar ID: 562302], and is absent from the population databases (gnomAD v2.1.1 and v3.1.2, TOPMed Freeze 8), suggesting it is not a common benign variant in the populations represented in those databases. In silico predictions do not support or refute a damaging effect for p.(Leu727Pro) [CADD score = 24.6, REVEL score = 0.422]. Two other missense variants, p.(Leu727Gln) and p.(Leu727Arg), have also been listed as likely pathogenic in the Mayo Clinic Polycystic Kidney Disease variant database. Based on available evidence, the inherited heterozygous c.2180T>C p.(Leu727Pro) variant identified in PKD1 is classified as Pathogenic.

Mendelics
Classification: Pathogenic for Polycystic kidney disease, adult type. Last evaluated: 2022-05-04. Review status: criteria provided, single submitter. Criteria: Mendelics Assertion Criteria 2019. Collection method: clinical testing. Allele origin: germline.

Fulgent Genetics
Classification: Pathogenic for Polycystic kidney disease, adult type. Last evaluated: 2021-06-30. Review status: criteria provided, single submitter. Criteria: ACMG Guidelines, 2015. Collection method: clinical testing. Allele origin: unknown.
Comment: This variant has been detected in individual(s) who were sent for testing of Renasight - kidney gene panel.

Institute of Medical Genetics and Applied Genomics, University Hospital Tübingen
Classification: Likely pathogenic. Last evaluated: 2021-06-17. Review status: criteria provided, single submitter. Criteria: ACMG Guidelines, 2015. Collection method: clinical testing. Allele origin: germline. Inheritance: Autosomal dominant inheritance. Affected: yes.

Athena Diagnostics
Classification: Pathogenic. Last evaluated: 2021-03-03. Review status: criteria provided, single submitter. Criteria: Athena Diagnostics criteria. Collection method: clinical testing. Allele origin: unknown.
Comment: This variant has not been reported in large, multi-ethnic general populations. This variant has been identified in multiple unrelated individuals with clinical features associated with this gene (PMID: 22383692, 21115670, 27835667, 22508176, 24374109). Computational tools predict that this variant is damaging.

Molecular Biology Laboratory, Fundació Puigvert
Classification: Likely pathogenic for Polycystic kidney disease, adult type. Last evaluated: 2020-02-01. Review status: criteria provided, single submitter. Criteria: ACMG Guidelines, 2015. Collection method: research. Allele origin: germline. Affected: yes. Study: KidneyPanel_2020.

Molecular Genetics of Inherited Kidney Disorders Laboratory, Garvan Institute of Medical Research
Classification: Likely pathogenic for Autosomal dominant polycystic kidney disease. Last evaluated: 2019-01-01. Review status: criteria provided, single submitter. Criteria: ACMG Guidelines, 2015. Collection method: research. Allele origin: germline. Affected: yes.

Gharavi Laboratory, Columbia University
Classification: Pathogenic. Last evaluated: 2018-09-16. Review status: criteria provided, single submitter. Criteria: ACMG Guidelines, 2015. Collection method: research. Allele origin: germline. Affected: yes.

Molecular Diagnostics Laboratory, M Health Fairview: University of Minnesota
Classification: Likely pathogenic for Polycystic kidney disease 3 with or without polycystic liver disease. Last evaluated: 2018-03-28. Review status: criteria provided, single submitter. Criteria: ACMG Guidelines, 2015. Collection method: clinical testing. Allele origin: germline. Affected: yes. Observed: 1 variant allele.

ARUP Laboratories, Molecular Genetics and Genomics, ARUP Laboratories
Classification: Likely pathogenic. Last evaluated: 2018-01-21. Review status: criteria provided, single submitter. Criteria: ARUP Molecular Germline Variant Investigation Process. Collection method: clinical testing. Allele origin: germline.
Comment: The PKD1 c.2180T>C; p.Leu727Pro variant (rs1616940) is reported in the literature in 27 unrelated patients with autosomal dominant polycystic kidney disease (Audrezet 2012, Carrera 2016, Cornec-Le Gall 2013, Hoefele 2011, Rossetti 2007, Rosetti 2012, Tan 2014) and is also listed on gene-specific databases (Mayo ADPKD Mutation Database) . This variant is absent from the general population with an average of 126647 alleles reported for this genomic region (1000 Genomes Project, Exome Variant Server, Genome Aggregation Database), indicating it is not a common polymorphism. The leucine at codon 727 is highly conserved and computational algorithms (SIFT, PolyPhen2, MutationTaster) predict this variant to be damaging. Based on the above information, this variant is considered likely pathogenic. References: Mayo ADPKD Mutation Database: Audrezet M et al. Autosomal dominant polycystic kidney disease: comprehensive mutation analysis of PKD1 and PKD2 in 700 unrelated patients. Hum Mutat. 2012 Aug;33(8):1239-50. Carrera P et al. Deciphering Variability of PKD1 and PKD2 in an Italian Cohort of 643 Patients with Autosomal Dominant Polycystic Kidney Disease (ADPKD). Sci Rep. 2016; 6: 30850. Cornec-Le Gall E et al. Type of PKD1 mutation influences renal outcome in ADPKD. J Am Soc Nephrol. 2013 May;24(6):1006-13. Hoefele J et al. Novel PKD1 and PKD2 mutations in autosomal dominant polycystic kidney disease (ADPKD). Nephrol Dial Transplant. 2011 Jul;26(7):2181-8. Rossetti S et al. Comprehensive molecular diagnostics in autosomal dominant polycystic kidney disease. J Am Soc Nephrol. 2007 Jul;18(7):2143-60. Rossetti S et al. Identification of gene mutations in autosomal dominant polycystic kidney disease through targeted resequencing. J Am Soc Nephrol. 2012 May;23(5):915-33. Tan A et al. Molecular diagnosis of autosomal dominant polycystic kidney disease using next-generation sequencing. J Mol Diagn. 2014 Mar;16(2):216-28.

Department of Traditional Chinese Medicine, Fujian Provincial Hospital
Classification: Likely pathogenic for Autosomal dominant polycystic kidney disease. Review status: criteria provided, single submitter. Criteria: ACMG Guidelines, 2015. Collection method: research. Allele origin: inherited.
Comment: According to ACMG guidelines, the mutation conforms to PS4 (The prevalence of the variant in affected individuals is significantly increased compared to the prevalence in controls),PM2 (Absent from controls in Exome Sequencing Project, 1000 Genomes or ExAC),and PP3 (Multiple lines of computational evidence support a deleterious effect on the gene or gene product), so the mutation point is considered as suspicious pathogenicity.

Juno Genomics, Hangzhou Juno Genomics, Inc
Classification: Likely pathogenic for Polycystic kidney disease, adult type. Review status: criteria provided, single submitter. Criteria: ACMG Guidelines, 2015. Collection method: clinical testing. Allele origin: germline. Affected: yes.
Comment: Absent from controls (or at extremely low frequency if recessive) in Genome Aggregation Database, Exome Sequencing Project, 1000 Genomes Project, or Exome Aggregation Consortium.;The prevalence of the variant in affected individuals is significantly increased compared to the prevalence in controls.;Patient's phenotype or family history is highly specific for a disease with a single genetic etiology.;Co-segregation with disease in multiple affected family members in a gene definitively known to cause the disease.

Department of Pathology and Laboratory Medicine, Sinai Health System
Classification: Pathogenic for Polycystic Kidney disease. Review status: no assertion criteria provided. Collection method: clinical testing. Allele origin: unknown. Affected: yes. Study: The Canadian Open Genetics Repository (COGR). Not counted in ClinVar's aggregate classification.
Comment: The PKD1 p.Leu727Pro variant was identified in 19 of 3592 proband chromosomes (frequency: 0.005) from German, French, North American, Spanish, Italian and Japanese individuals or families with ADPKD, and was not identified in 480 control chromosomes from healthy individuals (Hoefele 2011, AudrâˆšÂ©zet 2012, Rossetti 2012, Hwang 2016, Trujillano 2014, Carrera 2016, Kinoshita 2016). The variant was also identified in dbSNP (ID: rs1616940), ADPKD Mutation Database (classified as Highly Likely Pathogenic), PKD1-LOVD 3.0 (classification by in silico as affecting protein function) and Clinvitae (1X). The variant was not identified in NHLBI GO Exome Sequencing Project, the Exome Aggregation Consortium (March 14, 2016), the Genome Aggregation Consortium, ClinVar, COGR, MutDB and PKD1-LOVD. The p.Leu727 residue is conserved across mammals and other organisms, and 5 of 5 computational analyses programs (PolyPhen-2, SIFT, AlignGVGD, BLOSUM, MutationTaster) suggest that the variant may impact the protein; however, this information is not predictive enough to assume pathogenicity. The variant is located within a functional domain, the polycystin cation channel, increasing the likelihood that it could have clinical significance. In summary, based on the above information, this variant meets our laboratoryâ€šÃ„Ã´s criteria to be classified as pathogenic.

Cavalleri Lab, Royal College of Surgeons in Ireland
Classification: Uncertain significance for Polycystic kidney disease, adult type. Last evaluated: 2020-02-05. Review status: flagged submission. Criteria: ACMG Guidelines, 2015. Collection method: research. Allele origin: unknown. Inheritance: Autosomal dominant inheritance. Affected: yes. Not counted in ClinVar's aggregate classification.
Comment: PM2, PP3, PP4, PP5
ClinVar note: Reason: Outlier claim with insufficient supporting evidence

Molecular Genetics of Inherited Kidney Disorders Laboratory, Garvan Institute of Medical Research
Classification: Likely pathogenic. Last evaluated: 2019-01-01. Review status: flagged submission. Criteria: ACMG Guidelines, 2015. Collection method: clinical testing. Allele origin: germline. Affected: yes. Observed: 2 variant alleles. Not counted in ClinVar's aggregate classification.
ClinVar note: Reason: This record appears to be redundant with a more recent record from the same submitter.
ClinVar note: Notes: SCV001422364 appears to be redundant with SCV001430247.

Literature cited by the submitters: PubMed 22508176 (cited by 4 submitters); PubMed 22383692 (cited by 5 submitters); PubMed 30816285 (cited by 3 submitters); PubMed 17582161 (cited by 3 submitters); PubMed 21115670 (cited by 3 submitters); PubMed 23431072 (cited by 4 submitters); PubMed 24374109 (cited by 3 submitters); PubMed 26139440 (cited by Mayo Clinic Laboratories, Mayo Clinic and Molecular Genetics, Royal Melbourne Hospital); PubMed 29038287 (cited by Mayo Clinic Laboratories, Mayo Clinic and New York Genome Center); PubMed 30333007 (cited by 4 submitters); PubMed 30586318 (cited by Mayo Clinic Laboratories, Mayo Clinic and New York Genome Center); PubMed 31027891 (cited by Mayo Clinic Laboratories, Mayo Clinic and New York Genome Center); PubMed 33315352 (cited by Mayo Clinic Laboratories, Mayo Clinic and New York Genome Center); PubMed 33437033 (cited by Mayo Clinic Laboratories, Mayo Clinic and New York Genome Center); PubMed 33454723 (cited by Mayo Clinic Laboratories, Mayo Clinic); PubMed 33532864 (cited by 3 submitters); PubMed 35325889 (cited by Mayo Clinic Laboratories, Mayo Clinic); PubMed 36186434 (cited by Mayo Clinic Laboratories, Mayo Clinic); PubMed 37372416 (cited by Mayo Clinic Laboratories, Mayo Clinic); PubMed 38481516 (cited by Mayo Clinic Laboratories, Mayo Clinic); PubMed 38527221 (cited by Mayo Clinic Laboratories, Mayo Clinic); PubMed 29801666 (cited by 3billion); PubMed 27499327 (cited by Athena Diagnostics); PubMed 25646624 (cited by Athena Diagnostics); PubMed 22090377 (cited by Athena Diagnostics); PubMed 26661679 (cited by Athena Diagnostics); PubMed 27835667 (cited by Athena Diagnostics); PubMed 25333066 (cited by Athena Diagnostics and Molecular Diagnostics Laboratory, M Health Fairview: University of Minnesota).